The following is an entry in ClinVar:

NM_000540.3(RYR1):c.4676A>T (p.Asn1559Ile)

Gene: RYR1 (ryanodine receptor 1; plus strand). Cytogenetic location: 19q13.2.
Variant type: single nucleotide variant.
Coding change: c.4676A>T on transcript NM_000540.3 (MANE Select); coding-DNA position 4676, A replaced by T.
Protein change: p.Asn1559Ile; replaces asparagine 1559 with isoleucine.
Molecular consequence: missense variant.
Genome position (GRCh38, 1-based): chr19:38,483,082, A>T. VCF-style: chr19-38483082-A-T. GRCh37 (hg19) VCF-style: chr19-38973722-A-T.
Other names: c.4676A>T, p.Asn1559Ile (NM_001042723.2); short protein forms N1559I.
Identifiers: ClinVar variation 941945 (VCV000941945.9), dbSNP rs1969094075, ClinGen allele CA405649489.
Genomic context (GRCh38, chr19:38,483,082, plus strand): 5'-GCCAGGTGGAACCCAACACTAAGCTATTTCCTGCCGTCTTCGTCCTGCCCACCCACCAGA[A>T]CGTCATCCAGTTTGAGCTGGGGAAGCAGAAGGTACAAGTGCAGTGATGGGGGCACTAATG-3'
Protein context (NP_000531.2, residues 1549-1569): PAVFVLPTHQ[Asn1559Ile]VIQFELGKQK

ClinVar aggregate classification (germline): Uncertain significance (1 of 4 stars; one submission).

Conditions:
RYR1-related disorder. Also called: RYR1-related disorders; RYR1-related condition. Identifiers: MedGen CN239331.

Submission:

Labcorp Genetics (formerly Invitae), Labcorp
Classification: Uncertain significance for RYR1-related disorder. Last evaluated: 2022-07-25. Review status: criteria provided, single submitter. Criteria: Invitae Variant Classification Sherloc (09022015). Collection method: clinical testing. Allele origin: germline.
Comment: This sequence change replaces asparagine, which is neutral and polar, with isoleucine, which is neutral and non-polar, at codon 1559 of the RYR1 protein (p.Asn1559Ile). In summary, the available evidence is currently insufficient to determine the role of this variant in disease. Therefore, it has been classified as a Variant of Uncertain Significance. Advanced modeling of protein sequence and biophysical properties (such as structural, functional, and spatial information, amino acid conservation, physicochemical variation, residue mobility, and thermodynamic stability) performed at Invitae indicates that this missense variant is not expected to disrupt RYR1 protein function. ClinVar contains an entry for this variant (Variation ID: 941945). This variant has not been reported in the literature in individuals affected with RYR1-related conditions. This variant is not present in population databases (gnomAD no frequency).